The following is an entry in ClinVar:

NM_000080.4(CHRNE):c.905C>G (p.Pro302Arg)

Genes: C17orf107 (chromosome 17 open reading frame 107; plus strand), CHRNE (cholinergic receptor nicotinic epsilon subunit; minus strand). Cytogenetic location: 17p13.2.
Variant type: single nucleotide variant.
Coding change: c.905C>G on transcript NM_000080.4 (MANE Select); coding-DNA position 905, C replaced by G.
Protein change: p.Pro302Arg; replaces proline 302 with arginine.
Molecular consequence: missense variant. On other transcripts: 3 prime UTR variant (1).
Genome position (GRCh38, 1-based): chr17:4,900,805, G>C on the plus strand (C>G on the coding strand, the complement: CHRNE is on the minus strand). VCF-style: chr17-4900805-G-C. GRCh37 (hg19) VCF-style: chr17-4804100-G-C.
Other names: c.*272G>C (NM_001145536.2); short protein forms P302R.
Identifiers: ClinVar variation 372325 (VCV000372325.27), dbSNP rs370019023, ClinGen allele CA16043129.

ClinVar aggregate classification (germline): Pathogenic/Likely pathogenic. Review status: criteria provided, multiple submitters, no conflicts (2 of 4 stars). 7 submissions from 7 submitters: Pathogenic (1); Likely pathogenic (6). Last evaluated 2025-12-15.

Conditions:
Congenital myasthenic syndrome 4A. Also called: MYASTHENIC SYNDROME, CONGENITAL, 4A, SLOW-CHANNEL, AUTOSOMAL RECESSIVE; CONGENITAL MYASTHENIC SYNDROME TYPE Ia1; Myasthenic syndrome, congenital, 4a, slow-channel. Identifiers: Orphanet 590, MedGen C4225413, MONDO:0011600, OMIM 605809.
Congenital myasthenic syndrome 4C (CMS4C). Also called: Myasthenic syndrome, congenital, associated with acetylcholine receptor deficiency. Identifiers: Orphanet 590, MedGen C1837091, MONDO:0012157, OMIM 608931.
Congenital myasthenic syndrome 4B. Also called: Myasthenic syndrome, congenital, 4b, fast-channel. Identifiers: Orphanet 590, MedGen C4225369, MONDO:0014586, OMIM 616324.
Congenital myasthenic syndrome (CMS). Also called: Congenital Myasthenic Syndromes. Identifiers: Orphanet 590, MedGen C0751882, MeSH D020294, MONDO:0018940.

Allele frequency attached by ClinVar (database versions not stated): TOPMed 0.00002.
gnomAD v4.1: 17 of 1,613,696 alleles (0.0011%); highest among the groups gnomAD compares: Non-Finnish European, 0.0014%; no homozygotes.

Submissions (7):

Natera, Inc.
Classification: Likely pathogenic for Congenital myasthenic syndrome. Last evaluated: 2025-12-15. Review status: criteria provided, single submitter. Criteria: Natera Variant Classification Schema (03/2026). Collection method: clinical testing. Allele origin: germline.
Comment: The c.905C>G variant in CHRNE is a missense variant predicted to cause substitution of proline to arginine at amino acid 302. This variant is rare in the general population with a frequency below the threshold expected for the associated phenotype(s). This variant has been observed in one or more individuals affected with the associated recessive disease, as either homozygous or compound heterozygous with a second variant (PMID: 22382357, 38696726). Functional studies show that this variant may disrupt protein function (PMID: 22382357). Computational prediction algorithms indicate this variant is likely to affect gene or protein function. Given the available evidence, this variant is classified as Likely Pathogenic.

Labcorp Genetics (formerly Invitae), Labcorp
Classification: Pathogenic for Congenital myasthenic syndrome 4A. Last evaluated: 2025-06-03. Review status: criteria provided, single submitter. Criteria: Invitae Variant Classification Sherloc (09022015). Collection method: clinical testing. Allele origin: germline.
Comment: This sequence change replaces proline, which is neutral and non-polar, with arginine, which is basic and polar, at codon 302 of the CHRNE protein (p.Pro302Arg). This variant is present in population databases (rs370019023, gnomAD 0.002%). This missense change has been observed in individuals with autosomal recessive congenital myasthenic syndrome (PMID: 22382357; internal data). It has also been observed to segregate with disease in related individuals. ClinVar contains an entry for this variant (Variation ID: 372325). Invitae Evidence Modeling of protein sequence and biophysical properties (such as structural, functional, and spatial information, amino acid conservation, physicochemical variation, residue mobility, and thermodynamic stability) indicates that this missense variant is expected to disrupt CHRNE protein function with a positive predictive value of 95%. Experimental studies have shown that this missense change affects CHRNE function (PMID: 22382357). For these reasons, this variant has been classified as Pathogenic.

Laboratorio de Genetica e Diagnostico Molecular, Hospital Israelita Albert Einstein
Classification: Likely pathogenic for Congenital myasthenic syndrome 4B; Congenital myasthenic syndrome 4C; Congenital myasthenic syndrome 4A. Last evaluated: 2024-07-19. Review status: criteria provided, single submitter. Criteria: ACMG Guidelines, 2015. Collection method: clinical testing. Allele origin: germline. Inheritance: Autosomal recessive inheritance. Affected: yes.
Comment: ACMG classification criteria: PM2-S, PM3-S, PP3, PS3-S

Fulgent Genetics
Classification: Likely pathogenic for Congenital myasthenic syndrome 4A; Congenital myasthenic syndrome 4C; Congenital myasthenic syndrome 4B. Last evaluated: 2024-04-16. Review status: criteria provided, single submitter. Criteria: ACMG Guidelines, 2015. Collection method: clinical testing. Allele origin: germline.

Baylor Genetics
Classification: Likely pathogenic for Congenital myasthenic syndrome 4A. Last evaluated: 2024-02-07. Review status: criteria provided, single submitter. Criteria: ACMG Guidelines, 2015. Collection method: clinical testing. Allele origin: unknown.

Women's Health and Genetics/Laboratory Corporation of America, LabCorp
Classification: Likely pathogenic for Congenital myasthenic syndrome. Last evaluated: 2023-07-28. Review status: criteria provided, single submitter. Criteria: LabCorp Variant Classification Summary - May 2015. Collection method: clinical testing. Allele origin: germline.
Comment: Variant summary: CHRNE c.905C>G (p.Pro302Arg) results in a non-conservative amino acid change in the encoded protein sequence. Five of five in-silico tools predict a damaging effect of the variant on protein function. The variant allele was found at a frequency of 4e-06 in 247620 control chromosomes. c.905C>G has been reported in the literature in at least one compound heterozygous individual affected with Congenital Myasthenic Syndrome (e.g., Webster_2012). At least one publication reports experimental evidence evaluating an impact on protein function; surface expression of AChR containing the variant in transfected HEK 293 cells was severly reduced at <15% of wild-type (Webster_2012). The following publication has been ascertained in the context of this evaluation (PMID: 22382357). Five submitters have cited clinical-significance assessments for this variant to ClinVar after 2014. Multiple submitters reported the variant with conflicting assessments; two submitters classified the variant as a variant of uncertain significance, two classified it as likely pathogenic, and one classified it as pathogenic. Based on the evidence outlined above, the variant was classified as likely pathogenic.

GeneDx
Classification: Likely pathogenic. Last evaluated: 2016-04-22. Review status: criteria provided, single submitter. Criteria: GeneDx Variant Classification (06012015). Collection method: clinical testing. Allele origin: germline. Affected: yes.
Comment: The P302R variant in the CHRNE gene has been reported previously (as P282R due to the use of alternative nomenclature) in the compound heterozygous state with an in frame three nucleotide deletion in one individual with congenital myasthenic syndrome (Webster et al., 2012). Functional studies of the P302R variant demonstrated that this variant resulted in severely reduced cell surface expression that was <15% of wild-type levels (Webster et al.,2012). The P302R variant was not observed in approximately 6500 individuals of European and African American ancestry in the NHLBI Exome Sequencing Project, indicating it is not a common benign variant in these populations. This variant is a non-conservative amino acid substitution, which is likely to impact secondary protein structure as these residues differ in polarity, charge, size and/or other properties. This substitution occurs at a position that is conserved across species, and in silico analysis predicts this variant is probably damaging to the protein structure/function. The P302R variant is a strong candidate for a pathogenic variant, however the possibility it may be a rare benign variant cannot be excluded.

Literature cited by the submitters: PubMed 22382357 (cited by 4 submitters); PubMed 38696726 (cited by Natera, Inc.).